The following is an entry in ClinVar:

NM_001378074.1(BOC):c.1670G>A (p.Gly557Glu)

Gene: BOC (BOC cell adhesion associated, oncogene regulated; plus strand). Cytogenetic location: 3q13.2.
Variant type: single nucleotide variant.
Coding change: c.1670G>A on transcript NM_001378074.1 (MANE Select); coding-DNA position 1670, G replaced by A.
Protein change: p.Gly557Glu; replaces glycine 557 with glutamic acid.
Molecular consequence: missense variant. On other transcripts: non-coding transcript variant (1).
Genome position (GRCh38, 1-based): chr3:113,278,222, G>A. VCF-style: chr3-113278222-G-A. GRCh37 (hg19) VCF-style: chr3-112997069-G-A.
Other names: c.1670G>A, p.Gly557Glu (NM_001301861.2, NM_001378073.1, NM_001387919.1 and 1 more transcripts); c.1667G>A, p.Gly556Glu (NM_001378075.1, NM_001387920.1, NM_001387921.1 and 4 more transcripts); c.1397G>A, p.Gly466Glu (NM_001387924.1); short protein forms G556E, G557E, G466E.
Identifiers: ClinVar variation 523664 (VCV000523664.3), dbSNP rs1553745274, ClinGen allele CA353766513.

ClinVar aggregate classification (germline): Uncertain significance (1 of 4 stars; one submission).

Conditions:
Holoprosencephaly sequence (HPE). Also called: Holoprosencephaly. Identifiers: Orphanet 2162, MedGen C0079541, MONDO:0016296, HP:0001360.

Submission:

Muenke lab, National Institutes of Health
Classification: Uncertain significance for Holoprosencephaly sequence. Last evaluated: 2017-05-10. Review status: criteria provided, single submitter. Criteria: Submitter's publication. Collection method: research. Allele origin: not applicable. Inheritance: Autosomal dominant inheritance.
Comment: Increased binding of Sonic hedgehog in transfected mouse cells compared to the normal human gene. Hedgehog signaling strength depends on receptor binding and is implicated in holoprosencephaly and other conditions of midline signaling.